The following is an entry in ClinVar:

ClinVar aggregate classification (germline): Pathogenic (3 of 4 stars; one submission).

Conditions:
PIK3R1-related immunodeficiency and SHORT syndrome. Identifiers: MedGen CN379774, MONDO:1060136.

Submission:

ClinGen Primary Immune Regulatory Disorders Variant Curation Expert Panel, ClinGen
Classification: Pathogenic for PIK3R1-related immunodeficiency and SHORT syndrome. Last evaluated: 2026-05-19. Review status: reviewed by expert panel. Criteria: ClinGen AbDef ACMG Specifications PIK3R1 V1.0.0. Collection method: curation. Allele origin: germline. Inheritance: Autosomal dominant inheritance.
Comment: NM_181523.3(PIK3R1):c.1644_1648del (p.Asp548GlufsTer6) is a frameshift variant that introduces a premature stop codon into exon 13 of 16, and is predicted to lead to nonsense-mediated decay (PVS1). This variant is absent from gnomAD v4.1.0 (PM2_Supporting). At least one patient with this variant had a phenotype that included mild growth delay, impaired central motor coordination during infancy accompanied by slight asymmetry of brain lateral ventricles, deep-set eyes (2 pts) with stellate iris pattern, lipodystrophy (1 pt), linea alba hernia, low serum IgG, IgM, and IgA (0.5 pts), high serum IgE (0.5 pts) with food allergy to cow's milk, large thymus, absence of lymphadenopathy and organomegaly by ultrasound, recurrent obstructive bronchitis (4 pts) caused by viral infections by H. influenzae and rhinovirus (3 pts), with streaked parenchymal infiltrates, low numbers of follicular and regulatory Th cells, and dysplastic nails in the hands and feet, with genotyping by 207-gene primary immunodeficiency panel identifying no alternative basis for disease in PIK3CD, which together are specific for PIK3R1-related immunodeficiency and SHORT syndrome (11 total points, PMID: 35789397, PP4). In summary, this variant meets the criteria to be classified as pathogenic for autosomal dominant PIK3R1-related immunodeficiency and SHORT syndrome based on the ACMG/AMP criteria applied, as specified by the ClinGen Antibody Deficiencies VCEP: PVS1, PM2_Supporting, and PP4. (VCEP specifications version 1.0.0; date of approval 04/29/2026).

NM_181523.3(PIK3R1):c.1644_1648del (p.Asp548fs)

Gene: PIK3R1 (phosphoinositide-3-kinase regulatory subunit 1; plus strand). Cytogenetic location: 5q13.1.
Variant type: Deletion.
Coding change: c.1644_1648del on transcript NM_181523.3 (MANE Select); coding-DNA positions 1644 to 1648, 5 bases deleted (CTTGA; older notation c.1644_1648delCTTGA).
Protein change: p.Asp548fs; shifts the reading frame from aspartic acid 548.
Molecular consequence: frameshift variant.
Genome position (GRCh38, 1-based): chr5:68,295,223-68,295,227, CTTGA deleted; deleting any 5 consecutive bases within chr5:68,295,221-68,295,227 gives the same sequence; the c. name uses the placement nearest the transcript's 3' end. VCF-style (leftmost placement, unchanged base first): chr5-68295220-AGACTT-A. GRCh37 (hg19) VCF-style: chr5-67591048-AGACTT-A.
Other names: NM_181524.2:c.744_748del; c.555_559del, p.Asp185fs (NM_001242466.2); c.834_838del, p.Asp278fs (NM_181504.4); c.744_748del, p.Asp248fs (NM_181524.2); short protein forms D185fs, D248fs, D278fs, D548fs.
Identifiers: ClinVar variation 4857720 (VCV004857720.1).